The following is an entry in ClinVar:

ClinVar aggregate classification (germline): Uncertain significance (1 of 4 stars; one submission).

Conditions:
Emery-Dreifuss muscular dystrophy 5, autosomal dominant (EDMD5). Also called: EMERY-DREIFUSS MUSCULAR DYSTROPHY 5. Identifiers: Orphanet 261, MedGen C2751805, MONDO:0013072, OMIM 612999.

gnomAD v4.1: 8 of 1,614,188 alleles (0.0005%); highest among the groups gnomAD compares: Middle Eastern, 0.016%; no homozygotes.

Submission:

Labcorp Genetics (formerly Invitae), Labcorp
Classification: Uncertain significance for Emery-Dreifuss muscular dystrophy 5, autosomal dominant. Last evaluated: 2024-05-24. Review status: criteria provided, single submitter. Criteria: Invitae Variant Classification Sherloc (09022015). Collection method: clinical testing. Allele origin: germline.
Comment: This sequence change replaces leucine, which is neutral and non-polar, with phenylalanine, which is neutral and non-polar, at codon 1322 of the SYNE2 protein (p.Leu1322Phe). This variant is not present in population databases (gnomAD no frequency). This variant has not been reported in the literature in individuals affected with SYNE2-related conditions. An algorithm developed to predict the effect of missense changes on protein structure and function (PolyPhen-2) suggests that this variant is likely to be disruptive. In summary, the available evidence is currently insufficient to determine the role of this variant in disease. Therefore, it has been classified as a Variant of Uncertain Significance.

NM_182914.3(SYNE2):c.3964C>T (p.Leu1322Phe)

Gene: SYNE2 (spectrin repeat containing nuclear envelope protein 2; plus strand). Cytogenetic location: 14q23.2.
Variant type: single nucleotide variant.
Coding change: c.3964C>T on transcript NM_182914.3 (MANE Select); coding-DNA position 3964, C replaced by T.
Protein change: p.Leu1322Phe; replaces leucine 1322 with phenylalanine.
Molecular consequence: missense variant.
Genome position (GRCh38, 1-based): chr14:64,002,897, C>T. VCF-style: chr14-64002897-C-T. GRCh37 (hg19) VCF-style: chr14-64469615-C-T.
Other names: c.3964C>T, p.Leu1322Phe (NM_015180.6); short protein forms L1322F.
Identifiers: ClinVar variation 3718449 (VCV003718449.2).
Genomic context (GRCh38, chr14:64,002,897, plus strand): 5'-CTGAAATACAAAACACAATTTGAAGGAATGAACCACAGGGTGCAGAGGAGTGAAGATACT[C>T]TCAAAGCTCTGGAAGACTTTTTGGCGTCTCTCAGAACAGCTAAACTCTCTGCTGAGCCCG-3'
Protein context (NP_878918.2, residues 1312-1332): NHRVQRSEDT[Leu1322Phe]KALEDFLASL